The following is an entry in ClinVar:

ClinVar aggregate classification (germline): Likely benign. Review status: criteria provided, multiple submitters, no conflicts (2 of 4 stars). 2 submissions from 2 submitters: Likely benign (2). Last evaluated 2025-03-14.

Conditions:
Pheochromocytoma/paraganglioma syndrome 3. Also called: GLOMUS TUMORS, FAMILIAL, 3; Paragangliomas 3; SDHC-Related Hereditary Paraganglioma-Pheochromocytoma Syndrome (Paragangliomas 3); SDHC-Related Hereditary Paraganglioma-Pheochromocytoma Syndrome. Identifiers: Orphanet 29072, MedGen C1854336, MONDO:0011544, OMIM 605373.
Gastrointestinal stromal tumor. Also called: Gastrointestinal stroma tumor; Gastrointestinal stromal tumor, somatic. Identifiers: Orphanet 44890, MedGen C0238198, MeSH D046152, MONDO:0011719, OMIM 606764, HP:0100723.

Allele frequency attached by ClinVar (database versions not stated): TOPMed below 0.00001; ExAC 0.00001.
gnomAD v4.1: 3 of 1,613,652 alleles (0.00019%); highest among the groups gnomAD compares: Non-Finnish European, 0.00017%; no homozygotes.

Submissions (2):

Myriad Genetics, Inc.
Classification: Likely benign for Pheochromocytoma/paraganglioma syndrome 3. Last evaluated: 2025-03-14. Review status: criteria provided, single submitter. Criteria: Myriad Autosomal Dominant, Autosomal Recessive and X-Linked Classification Criteria (2023). Collection method: clinical testing. Allele origin: unknown.
Comment: This variant is considered likely benign. This variant is intronic and is not expected to impact mRNA splicing.

Labcorp Genetics (formerly Invitae), Labcorp
Classification: Likely benign for Pheochromocytoma/paraganglioma syndrome 3; Gastrointestinal stromal tumor. Last evaluated: 2022-06-27. Review status: criteria provided, single submitter. Criteria: Invitae Variant Classification Sherloc (09022015). Collection method: clinical testing. Allele origin: germline.

NM_003001.5(SDHC):c.242-13G>C

Gene: SDHC (succinate dehydrogenase complex subunit C; plus strand). Cytogenetic location: 1q23.3.
Variant type: single nucleotide variant.
Coding change: c.242-13G>C on transcript NM_003001.5 (MANE Select); 13 bases into the intron before coding-DNA position 242, G replaced by C.
Molecular consequence: intron variant.
Genome position (GRCh38, 1-based): chr1:161,356,664, G>C. VCF-style: chr1-161356664-G-C. GRCh37 (hg19) VCF-style: chr1-161326454-G-C.
Other names: c.131-13G>C (NM_001407119.1, NM_001407120.1); c.362-13G>C (NM_001407115.1); c.242-5665G>C (NM_001035511.3); c.140-13G>C (NM_001035512.3); c.140-5665G>C (NM_001278172.3); c.134-13G>C (NM_001407118.1); c.185-13G>C (NM_001407116.1); c.185-5665G>C (NM_001407121.1); and 2 more.
Identifiers: ClinVar variation 2085858 (VCV002085858.5), dbSNP rs1553265778, ClinGen allele CA1210300.